The following continues an entry in ClinVar:

NM_007294.4(BRCA1):c.5365G>A (p.Ala1789Thr)

Gene: BRCA1. ClinVar aggregate classification (germline): Likely pathogenic. Likely pathogenic (1).

Submissions 7 to 11 of 11:

Center for Genomic Medicine, Rigshospitalet, Copenhagen University Hospital
Classification: Likely pathogenic. Last evaluated: 2025-03-04. Review status: criteria provided, single submitter. Criteria: ACMG Guidelines, 2015. Collection method: clinical testing. Allele origin: germline. Not counted in ClinVar's aggregate classification.

Color Diagnostics, LLC DBA Color Health
Classification: Likely pathogenic for Hereditary cancer-predisposing syndrome. Last evaluated: 2021-06-24. Review status: criteria provided, single submitter. Criteria: ACMG Guidelines, 2015. Collection method: clinical testing. Allele origin: germline. Not counted in ClinVar's aggregate classification.
Comment: This missense variant replaces alanine with threonine at codon 1789 of the BRCA1 protein. Computational prediction suggests that this variant may have deleterious impact on protein structure and function (internally defined REVEL score threshold >= 0.7, PMID: 27666373). Functional studies have reported that this variant impairs BRCA1 protein function (PMID: 18680205, 19493677, 20737206, 28781887, 30209399, 32546644). This variant has been reported in a mother and daughter pair affected with breast and/or ovarian cancer (PMID: 18680205, 20737206), in at least three individuals affected with breast cancer (PMID: 30264118, 30287823), and in an individual affected with ovarian cancer (Color internal data). This variant also has been reported with a family history likelihood ratio for pathogenicity of 3.1958 (PMID: 31131967). This variant has been identified in 1/251448 chromosomes in the general population by the Genome Aggregation Database (gnomAD). Based on the available evidence, this variant is classified as Likely Pathogenic.

Brotman Baty Institute, University of Washington
No classification provided (evidence only). Condition: Breast-ovarian cancer, familial 1. Review status: no classification provided. Collection method: in vitro. Allele origin: not applicable. Functional consequence: functionally_abnormal. Not counted in ClinVar's aggregate classification.
ClinVar note: "not provided" was previously submitted as the classification for the variant. However, the classification appeared to be based only on an observation of functional data so it was converted to no classification on 2025-07-30.

Diagnostic Laboratory, Department of Genetics, University Medical Center Groningen
Classification: Likely pathogenic. Review status: no assertion criteria provided. Collection method: clinical testing. Allele origin: germline. Affected: yes. Study: VKGL Data-share Consensus. Not counted in ClinVar's aggregate classification.

Joint Genome Diagnostic Labs from Nijmegen and Maastricht, Radboudumc and MUMC+
Classification: Likely pathogenic. Review status: no assertion criteria provided. Collection method: clinical testing. Allele origin: germline. Affected: yes. Study: VKGL Data-share Consensus. Not counted in ClinVar's aggregate classification.

Literature cited by the submitters: PubMed 30287823 (cited by Mendelics); PubMed 18680205 (cited by 5 submitters); PubMed 20737206 (cited by 3 submitters); PubMed 23867111 (cited by 3 submitters); PubMed 30209399 (cited by 5 submitters); PubMed 30765603 (cited by 3 submitters); PubMed 32546644 (cited by 3 submitters); PubMed 26381082 (cited by Labcorp Genetics (formerly Invitae), Labcorp); PubMed 19493677 (cited by Labcorp Genetics (formerly Invitae), Labcorp and Ambry Genetics); PubMed 22646717 (cited by Labcorp Genetics (formerly Invitae), Labcorp and Ambry Genetics); PubMed 24104880 (cited by Labcorp Genetics (formerly Invitae), Labcorp and Ambry Genetics); PubMed 28781887 (cited by Ambry Genetics); PubMed 30264118 (cited by Center for Genomic Medicine, Rigshospitalet, Copenhagen University Hospital).